The following is an entry in ClinVar:

ClinVar aggregate classification (germline): Uncertain significance (1 of 4 stars; one submission).

gnomAD v4.1: 13 of 1,613,854 alleles (0.00081%); highest among the groups gnomAD compares: Non-Finnish European, 0.0011%; no homozygotes.

Submission:

Labcorp Genetics (formerly Invitae), Labcorp
Classification: Uncertain significance. Last evaluated: 2022-09-07. Review status: criteria provided, single submitter. Criteria: Invitae Variant Classification Sherloc (09022015). Collection method: clinical testing. Allele origin: germline.
Comment: This sequence change replaces alanine, which is neutral and non-polar, with threonine, which is neutral and polar, at codon 1741 of the COL7A1 protein (p.Ala1741Thr). This variant is present in population databases (no rsID available, gnomAD 0.0009%). This variant has not been reported in the literature in individuals affected with COL7A1-related conditions. Advanced modeling of protein sequence and biophysical properties (such as structural, functional, and spatial information, amino acid conservation, physicochemical variation, residue mobility, and thermodynamic stability) performed at Invitae indicates that this missense variant is not expected to disrupt COL7A1 protein function. In summary, the available evidence is currently insufficient to determine the role of this variant in disease. Therefore, it has been classified as a Variant of Uncertain Significance.

NM_000094.4(COL7A1):c.5221G>A (p.Ala1741Thr)

Gene: COL7A1 (collagen type VII alpha 1 chain; minus strand). Cytogenetic location: 3p21.31.
Variant type: single nucleotide variant.
Coding change: c.5221G>A on transcript NM_000094.4 (MANE Select); coding-DNA position 5221, G replaced by A.
Protein change: p.Ala1741Thr; replaces alanine 1741 with threonine.
Molecular consequence: missense variant.
Genome position (GRCh38, 1-based): chr3:48,579,602, C>T on the plus strand (G>A on the coding strand, the complement: COL7A1 is on the minus strand). VCF-style: chr3-48579602-C-T. GRCh37 (hg19) VCF-style: chr3-48617035-C-T.
Other names: short protein forms A1741T.
Identifiers: ClinVar variation 1718982 (VCV001718982.3), dbSNP rs1344057327, ClinGen allele CA352677189.